The following is an entry in ClinVar:

ClinVar aggregate classification (germline): Uncertain significance (1 of 4 stars; one submission).

Conditions:
PRPH2-related disorder. Also called: PRPH2-related condition; PRPH2-related disorders. Identifiers: MedGen CN239395.

Submission:

Labcorp Genetics (formerly Invitae), Labcorp
Classification: Uncertain significance for PRPH2-related disorder. Last evaluated: 2024-12-02. Review status: criteria provided, single submitter. Criteria: Invitae Variant Classification Sherloc (09022015). Collection method: clinical testing. Allele origin: germline.
Comment: This variant, c.912_913insAGCGAG, results in the insertion of 2 amino acid(s) of the PRPH2 protein (p.Gln304_Gly305insSerGlu), but otherwise preserves the integrity of the reading frame. This variant is not present in population databases (gnomAD no frequency). This variant has not been reported in the literature in individuals affected with PRPH2-related conditions. ClinVar contains an entry for this variant (Variation ID: 970456). Experimental studies and prediction algorithms are not available or were not evaluated, and the functional significance of this variant is currently unknown. In summary, the available evidence is currently insufficient to determine the role of this variant in disease. Therefore, it has been classified as a Variant of Uncertain Significance.

NM_000322.5(PRPH2):c.912_913insAGCGAG (p.Gln304_Gly305insSerGlu)

Gene: PRPH2 (peripherin 2; minus strand). Cytogenetic location: 6p21.1.
Variant type: Insertion.
Coding change: c.912_913insAGCGAG on transcript NM_000322.5 (MANE Select); coding-DNA positions 912 to 913, AGCGAG inserted.
Protein change: p.Gln304_Gly305insSerGlu.
Molecular consequence: inframe insertion.
Genome position: GRCh38 VCF-style: chr6-42698423-C-CCTCGCT. GRCh37 (hg19) VCF-style: chr6-42666161-C-CCTCGCT.
Identifiers: ClinVar variation 970456 (VCV000970456.10), dbSNP rs1377137374, ClinGen allele CA824833709.